The following is an entry in ClinVar:

ClinVar aggregate classification (germline): Uncertain significance (1 of 4 stars; one submission).

Conditions:
Cardiovascular phenotype. Identifiers: MedGen CN230736.
Hereditary cancer-predisposing syndrome. Also called: Neoplastic Syndromes, Hereditary; Tumor predisposition; Hereditary Cancer Syndrome; Hereditary neoplastic syndrome. Identifiers: Orphanet 140162, MedGen C0027672, MeSH D009386, MONDO:0015356.

Submission:

Ambry Genetics
Classification: Uncertain significance for Cardiovascular phenotype; Hereditary cancer-predisposing syndrome. Last evaluated: 2026-06-10. Review status: criteria provided, single submitter. Criteria: Ambry Variant Classification Scheme 2023. Collection method: clinical testing. Allele origin: germline.
Comment: The p.D703V variant (also known as c.2108A>T), located in coding exon 18 of the LZTR1 gene, results from an A to T substitution at nucleotide position 2108. The aspartic acid at codon 703 is replaced by valine, an amino acid with highly dissimilar properties. This amino acid position is conserved. In addition, this alteration is predicted to be deleterious by in silico analysis. Based on the available evidence, the clinical significance of this variant remains unclear.

NM_006767.4(LZTR1):c.2108A>T (p.Asp703Val)

Gene: LZTR1 (leucine zipper like post translational regulator 1; plus strand). Cytogenetic location: 22q11.21.
Variant type: single nucleotide variant.
Coding change: c.2108A>T on transcript NM_006767.4 (MANE Select); coding-DNA position 2108, A replaced by T.
Protein change: p.Asp703Val; replaces aspartic acid 703 with valine.
Molecular consequence: missense variant.
Genome position (GRCh38, 1-based): chr22:20,996,001, A>T. VCF-style: chr22-20996001-A-T. GRCh37 (hg19) VCF-style: chr22-21350290-A-T.
Other names: short protein forms D703V.
Identifiers: ClinVar variation 4859435 (VCV004859435.1).